The following is an entry in ClinVar:

NM_006231.4(POLE):c.5043C>G (p.Asn1681Lys)

Gene: POLE (DNA polymerase epsilon, catalytic subunit; minus strand). Cytogenetic location: 12q24.33.
Variant type: single nucleotide variant.
Coding change: c.5043C>G on transcript NM_006231.4 (MANE Select); coding-DNA position 5043, C replaced by G.
Protein change: p.Asn1681Lys; replaces asparagine 1681 with lysine.
Molecular consequence: missense variant.
Genome position (GRCh38, 1-based): chr12:132,642,307, G>C on the plus strand (C>G on the coding strand, the complement: POLE is on the minus strand). VCF-style: chr12-132642307-G-C. GRCh37 (hg19) VCF-style: chr12-133218893-G-C.
Other names: c.5043C>G (NM_006231.2); short protein forms N1681K.
Identifiers: ClinVar variation 1409313 (VCV001409313.10), dbSNP rs1593729754, ClinGen allele CA387377201.

ClinVar aggregate classification (germline): Uncertain significance. Review status: criteria provided, multiple submitters, no conflicts (2 of 4 stars). 3 submissions from 3 submitters: Uncertain significance (3). Last evaluated 2024-10-08.

Conditions:
Hereditary cancer-predisposing syndrome. Also called: Hereditary Cancer Syndrome; Tumor predisposition; Hereditary neoplastic syndrome; Neoplastic Syndromes, Hereditary. Identifiers: Orphanet 140162, MedGen C0027672, MeSH D009386, MONDO:0015356.

Submissions (3):

Ambry Genetics
Classification: Uncertain significance for Hereditary cancer-predisposing syndrome. Last evaluated: 2024-10-08. Review status: criteria provided, single submitter. Criteria: Ambry Variant Classification Scheme 2023. Collection method: clinical testing. Allele origin: germline.
Comment: The p.N1681K variant (also known as c.5043C>G), located in coding exon 38 of the POLE gene, results from a C to G substitution at nucleotide position 5043. The asparagine at codon 1681 is replaced by lysine, an amino acid with similar properties. This amino acid position is conserved. In addition, this alteration is predicted to be tolerated by in silico analysis. Based on the available evidence, the clinical significance of this variant remains unclear.

GeneDx
Classification: Uncertain significance. Last evaluated: 2023-11-29. Review status: criteria provided, single submitter. Criteria: GeneDx Variant Classification Process June 2021. Collection method: clinical testing. Allele origin: germline. Affected: yes.
Comment: Not observed at significant frequency in large population cohorts (gnomAD); In silico analysis supports that this missense variant has a deleterious effect on protein structure/function; Has not been previously published as pathogenic or benign to our knowledge

Labcorp Genetics (formerly Invitae), Labcorp
Classification: Uncertain significance. Last evaluated: 2021-02-15. Review status: criteria provided, single submitter. Criteria: Invitae Variant Classification Sherloc (09022015). Collection method: clinical testing. Allele origin: germline.
Comment: This variant has not been reported in the literature in individuals with POLE-related conditions. In summary, the available evidence is currently insufficient to determine the role of this variant in disease. Therefore, it has been classified as a Variant of Uncertain Significance. Algorithms developed to predict the effect of missense changes on protein structure and function are either unavailable or do not agree on the potential impact of this missense change (SIFT: "Deleterious"; PolyPhen-2: "Probably Damaging"; Align-GVGD: "Class C15"). This variant is not present in population databases (ExAC no frequency). This sequence change replaces asparagine with lysine at codon 1681 of the POLE protein (p.Asn1681Lys). The asparagine residue is highly conserved and there is a moderate physicochemical difference between asparagine and lysine.